The following is an entry in ClinVar:

ClinVar aggregate classification (germline): Uncertain significance (1 of 4 stars; one submission).

Conditions:
Charcot-Marie-Tooth disease type 4. Also called: Charcot-Marie-Tooth disease, type IV; Charcot-Marie-Tooth, Type 4. Identifiers: Orphanet 64749, MedGen C4082197, MONDO:0018995.

Submission:

Labcorp Genetics (formerly Invitae), Labcorp
Classification: Uncertain significance for Charcot-Marie-Tooth disease type 4. Last evaluated: 2020-09-01. Review status: criteria provided, single submitter. Criteria: Invitae Variant Classification Sherloc (09022015). Collection method: clinical testing. Allele origin: germline.
Comment: This variant has not been reported in the literature in individuals with SBF2-related conditions. In summary, the available evidence is currently insufficient to determine the role of this variant in disease. Therefore, it has been classified as a Variant of Uncertain Significance. Algorithms developed to predict the effect of sequence changes on RNA splicing suggest that this variant may disrupt the consensus splice site, but this prediction has not been confirmed by published transcriptional studies. This variant is not present in population databases (ExAC no frequency). This sequence change falls in intron 24 of the SBF2 gene. It does not directly change the encoded amino acid sequence of the SBF2 protein.

NM_030962.4(SBF2):c.3111-7C>G

Genes: SBF2 (SET binding factor 2; minus strand), LOC101928008 (uncharacterized LOC101928008; plus strand). Cytogenetic location: 11p15.4.
Variant type: single nucleotide variant.
Coding change: c.3111-7C>G on transcript NM_030962.4 (MANE Select); 7 bases into the intron before coding-DNA position 3111, C replaced by G.
Molecular consequence: intron variant.
Genome position (GRCh38, 1-based): chr11:9,842,777, G>C on the plus strand (C>G on the coding strand, the complement: SBF2 is on the minus strand). VCF-style: chr11-9842777-G-C. GRCh37 (hg19) VCF-style: chr11-9864324-G-C.
Other names: c.2982-7C>G (NM_001386342.1); c.3111-7C>G (NM_001386339.1).
Identifiers: ClinVar variation 1047646 (VCV001047646.9), dbSNP rs1856254310, ClinGen allele CA1951800855.
Genomic context (GRCh38, chr11:9,842,777, plus strand): 5'-ATTGTCATTTTCCCTGCCCTTTTGGCACCTTTCACAATTGTTTTTGAGAAGGTACTACAA[G>C]TCATAAAACCAAAGAGAATGTCAACTTAATATAAAAGCACTACTTGTATTGTTGACACCT-3'